The following is an entry in ClinVar:

NM_003322.6(TULP1):c.367G>C (p.Glu123Gln)

Gene: TULP1 (TUB like protein 1; minus strand). Cytogenetic location: 6p21.31.
Variant type: single nucleotide variant.
Coding change: c.367G>C on transcript NM_003322.6 (MANE Select); coding-DNA position 367, G replaced by C.
Protein change: p.Glu123Gln; replaces glutamic acid 123 with glutamine.
Molecular consequence: missense variant.
Genome position (GRCh38, 1-based): chr6:35,510,993, C>G on the plus strand (G>C on the coding strand, the complement: TULP1 is on the minus strand). VCF-style: chr6-35510993-C-G. GRCh37 (hg19) VCF-style: chr6-35478770-C-G.
Other names: c.367G>C (NM_003322.5, NM_003322.3); c.208G>C, p.Glu70Gln (NM_001289395.2); short protein forms E123Q, E70Q.
Identifiers: ClinVar variation 1000693 (VCV001000693.9), dbSNP rs758112488, ClinGen allele CA3772942.

ClinVar aggregate classification (germline): Uncertain significance. Review status: criteria provided, multiple submitters, no conflicts (2 of 4 stars). 4 submissions from 4 submitters: Uncertain significance (4). Last evaluated 2026-02-19.

Conditions:
TULP1-related disorder. Also called: TULP1-related condition; TULP1-related disorders.
Inborn genetic diseases. Identifiers: MedGen C0950123, MeSH D030342.

Allele frequency attached by ClinVar (database versions not stated): gnomAD 0.00001; TOPMed 0.00002; gnomAD exomes 0.00003 and 0.00006; ExAC 0.00005.
gnomAD v4.1: 17 of 1,602,926 alleles (0.0011%); highest among the groups gnomAD compares: Admixed American, 0.028%; no homozygotes.

Submissions (4):

PreventionGenetics, part of Exact Sciences
Classification: Uncertain significance for TULP1-related condition. Last evaluated: 2026-02-19. Review status: criteria provided, single submitter. Criteria: ACMG Guidelines, 2015. Collection method: clinical testing. Allele origin: germline.
Comment: The TULP1 c.367G>C variant is predicted to result in the amino acid substitution p.Glu123Gln. To our knowledge, this variant has not been reported in the literature. This variant is reported in 0.043% of alleles in individuals of Latino descent in gnomAD. At this time, the clinical significance of this variant is uncertain due to the absence of conclusive functional and genetic evidence.

Ambry Genetics
Classification: Uncertain significance for Inborn genetic diseases. Last evaluated: 2025-05-06. Review status: criteria provided, single submitter. Criteria: Ambry Variant Classification Scheme 2023. Collection method: clinical testing. Allele origin: germline.

Labcorp Genetics (formerly Invitae), Labcorp
Classification: Uncertain significance. Last evaluated: 2022-10-17. Review status: criteria provided, single submitter. Criteria: Invitae Variant Classification Sherloc (09022015). Collection method: clinical testing. Allele origin: germline.
Comment: This sequence change replaces glutamic acid, which is acidic and polar, with glutamine, which is neutral and polar, at codon 123 of the TULP1 protein (p.Glu123Gln). The frequency data for this variant in the population databases is considered unreliable, as metrics indicate poor data quality at this position in the gnomAD database. This variant has not been reported in the literature in individuals affected with TULP1-related conditions. ClinVar contains an entry for this variant (Variation ID: 1000693). Advanced modeling of protein sequence and biophysical properties (such as structural, functional, and spatial information, amino acid conservation, physicochemical variation, residue mobility, and thermodynamic stability) performed at Invitae indicates that this missense variant is not expected to disrupt TULP1 protein function. In summary, the available evidence is currently insufficient to determine the role of this variant in disease. Therefore, it has been classified as a Variant of Uncertain Significance.

Blueprint Genetics
Classification: Uncertain significance. Last evaluated: 2022-07-28. Review status: criteria provided, single submitter. Criteria: ACMG Guidelines, 2015. Collection method: clinical testing. Allele origin: germline.